The following is an entry in ClinVar:

NM_001330260.2(SCN8A):c.345A>C (p.Leu115Phe)

Gene: SCN8A (sodium voltage-gated channel alpha subunit 8; plus strand). Cytogenetic location: 12q13.13.
Variant type: single nucleotide variant.
Coding change: c.345A>C on transcript NM_001330260.2 (MANE Select); coding-DNA position 345, A replaced by C.
Protein change: p.Leu115Phe; replaces leucine 115 with phenylalanine.
Molecular consequence: missense variant.
Genome position (GRCh38, 1-based): chr12:51,684,242, A>C. VCF-style: chr12-51684242-A-C. GRCh37 (hg19) VCF-style: chr12-52078026-A-C.
Other names: c.345A>C, p.Leu115Phe (NM_001369788.1, NM_014191.4, NM_001177984.3); short protein forms L115F.
Identifiers: ClinVar variation 3026704 (VCV003026704.22), dbSNP rs2540152186, ClinGen allele CA385221061.

ClinVar aggregate classification (germline): Uncertain significance (1 of 4 stars; one submission).

Allele frequency attached by ClinVar (database versions not stated): gnomAD exomes below 0.00001.
gnomAD v4.1: 1 of 1,608,938 alleles (0.000062%); highest among the groups gnomAD compares: Non-Finnish European, 0.000085%; no homozygotes.

Submission:

CeGaT Center for Human Genetics Tuebingen
Classification: Uncertain significance. Last evaluated: 2023-12-01. Review status: criteria provided, single submitter. Criteria: CeGaT Center For Human Genetics Tuebingen Variant Classification Criteria Version 2. Collection method: clinical testing. Allele origin: germline. Affected: yes. Observed: 1 variant allele.
Comment: SCN8A: PM2